The following is an entry in ClinVar:

NM_016729.3(FOLR1):c.366G>C (p.Gln122His)

Genes: FOLR1 (folate receptor alpha; plus strand), FOLR1-AS1 (FOLR1 antisense RNA 1; minus strand). Cytogenetic location: 11q13.4.
Variant type: single nucleotide variant.
Coding change: c.366G>C on transcript NM_016729.3 (MANE Select); coding-DNA position 366, G replaced by C.
Protein change: p.Gln122His; replaces glutamine 122 with histidine.
Molecular consequence: missense variant.
Genome position (GRCh38, 1-based): chr11:72,195,620, G>C. VCF-style: chr11-72195620-G-C. GRCh37 (hg19) VCF-style: chr11-71906664-G-C.
Other names: c.366G>C, p.Gln122His (NM_000802.3, NM_016724.3, NM_016725.3 and 1 more transcripts); short protein forms Q122H.
Identifiers: ClinVar variation 2111064 (VCV002111064.4), dbSNP rs2539132041, ClinGen allele CA381732977.

ClinVar aggregate classification (germline): Uncertain significance (1 of 4 stars; one submission).

Conditions:
Cerebral folate transport deficiency. Also called: FOLR1-Related Cerebral Folate Transport Deficiency; NEURODEGENERATION DUE TO CEREBRAL FOLATE TRANSPORT DEFICIENCY; Neurodegenerative syndrome due to cerebral folate transport deficiency; Cerebral folate deficiency syndrome; FOLATE RECEPTOR DEFICIENCY. Identifiers: Orphanet 217382, MedGen C2751584, MONDO:0013110, OMIM 613068. Disease mechanism: loss of function.

Submission:

Labcorp Genetics (formerly Invitae), Labcorp
Classification: Uncertain significance for Cerebral folate transport deficiency. Last evaluated: 2022-04-18. Review status: criteria provided, single submitter. Criteria: Invitae Variant Classification Sherloc (09022015). Collection method: clinical testing. Allele origin: germline.
Comment: In summary, the available evidence is currently insufficient to determine the role of this variant in disease. Therefore, it has been classified as a Variant of Uncertain Significance. Algorithms developed to predict the effect of missense changes on protein structure and function are either unavailable or do not agree on the potential impact of this missense change (SIFT: "Tolerated"; PolyPhen-2: "Possibly Damaging"; Align-GVGD: "Class C0"). This variant has not been reported in the literature in individuals affected with FOLR1-related conditions. This variant is not present in population databases (gnomAD no frequency). This sequence change replaces glutamine, which is neutral and polar, with histidine, which is basic and polar, at codon 122 of the FOLR1 protein (p.Gln122His).